The following is an entry in ClinVar:

ClinVar aggregate classification (germline): Pathogenic. Review status: criteria provided, multiple submitters, no conflicts (2 of 4 stars). 5 submissions from 5 submitters: Pathogenic (5). Last evaluated 2025-09-30.

Conditions:
Familial cancer of breast. Also called: BREAST CANCER, FAMILIAL; hereditary breast carcinoma; Hereditary breast cancer. Identifiers: Orphanet 227535, MedGen C0346153, MONDO:0016419, OMIM 114480. Disease mechanism: loss of function.
Breast-ovarian cancer, familial, susceptibility to, 5 (BROVCA5). Identifiers: MedGen C5830615, MONDO:0957530, OMIM 620442.
Hereditary cancer-predisposing syndrome. Also called: Neoplastic Syndromes, Hereditary; Tumor predisposition; Hereditary Cancer Syndrome; Hereditary neoplastic syndrome. Identifiers: Orphanet 140162, MedGen C0027672, MeSH D009386, MONDO:0015356.

Submissions (5):

Ambry Genetics
Classification: Pathogenic for Hereditary cancer-predisposing syndrome. Last evaluated: 2025-09-30. Review status: criteria provided, single submitter. Criteria: Ambry Variant Classification Scheme 2023. Collection method: clinical testing. Allele origin: germline.
Comment: The p.Q39* pathogenic mutation (also known as c.115C>T), located in coding exon 3 of the PALB2 gene, results from a C to T substitution at nucleotide position 115. This changes the amino acid from a glutamine to a stop codon within coding exon 3. This alteration was identified in a triple negative breast cancer cohort (Yi D et al. Hum. Genomics, 2019 01;13:4). This alteration is expected to result in loss of function by premature protein truncation or nonsense-mediated mRNA decay. As such, this alteration is interpreted as a disease-causing mutation.

Labcorp Genetics (formerly Invitae), Labcorp
Classification: Pathogenic for Familial cancer of breast. Last evaluated: 2025-05-11. Review status: criteria provided, single submitter. Criteria: Invitae Variant Classification Sherloc (09022015). Collection method: clinical testing. Allele origin: germline.
Comment: This sequence change creates a premature translational stop signal (p.Gln39*) in the PALB2 gene. It is expected to result in an absent or disrupted protein product. Loss-of-function variants in PALB2 are known to be pathogenic (PMID: 17200668, 17200671, 17200672, 24136930, 25099575). This variant is not present in population databases (gnomAD no frequency). This premature translational stop signal has been observed in individual(s) with breast cancer (PMID: 30630526). ClinVar contains an entry for this variant (Variation ID: 231718). For these reasons, this variant has been classified as Pathogenic.

Color Diagnostics, LLC DBA Color Health
Classification: Pathogenic for Hereditary cancer-predisposing syndrome. Last evaluated: 2025-02-18. Review status: criteria provided, single submitter. Criteria: ACMG Guidelines, 2015. Collection method: clinical testing. Allele origin: germline.
Comment: This variant changes 1 nucleotide in exon 3 of the PALB2 gene, creating a premature translation stop signal. This variant is expected to result in an absent or non-functional protein product. This variant has been reported in at least two individuals affected with breast cancer including an individual affected with triple-negative breast cancer (PMID: 30630526, 33471991; Leiden Open Variation Database DB-ID PALB2_011214). This variant has not been identified in the general population by the Genome Aggregation Database (gnomAD). Loss of PALB2 function is a known mechanism of disease. Based on the available evidence, this variant is classified as Pathogenic.

3billion
Classification: Pathogenic for Breast-ovarian cancer, familial, susceptibility to, 5. Last evaluated: 2024-11-27. Review status: criteria provided, single submitter. Criteria: ACMG Guidelines, 2015. Collection method: clinical testing. Allele origin: germline. Affected: yes.
Comment: The variant is not observed in the gnomAD v4.1.0 dataset. Predicted Consequence/Location: Stop-gained (nonsense): predicted to result in a loss or disruption of normal protein function through nonsense-mediated decay (NMD) or protein truncation. Multiple pathogenic variants are reported downstream of the variant. The variant has been reported at least twice as pathogenic with clinical assertions and evidence for the classification (ClinVar ID: VCV000231718). Therefore, this variant is classified as Pathogenic according to the recommendation of ACMG/AMP guideline.

Myriad Genetics, Inc.
Classification: Pathogenic for Familial cancer of breast. Last evaluated: 2023-09-06. Review status: criteria provided, single submitter. Criteria: Myriad Autosomal Dominant, Autosomal Recessive and X-Linked Classification Criteria (2023). Collection method: clinical testing. Allele origin: unknown.
Comment: This variant is considered pathogenic. This variant creates a termination codon and is predicted to result in premature protein truncation.

Literature cited by the submitters: PubMed 30630526 (cited by 3 submitters); PubMed 17200668 (cited by Labcorp Genetics (formerly Invitae), Labcorp); PubMed 17200671 (cited by Labcorp Genetics (formerly Invitae), Labcorp); PubMed 17200672 (cited by Labcorp Genetics (formerly Invitae), Labcorp); PubMed 24136930 (cited by Labcorp Genetics (formerly Invitae), Labcorp); PubMed 25099575 (cited by Labcorp Genetics (formerly Invitae), Labcorp); PubMed 33471991 (cited by Color Diagnostics, LLC DBA Color Health).

NM_024675.4(PALB2):c.115C>T (p.Gln39Ter)

Gene: PALB2 (partner and localizer of BRCA2; minus strand). Cytogenetic location: 16p12.2.
Variant type: single nucleotide variant.
Coding change: c.115C>T on transcript NM_024675.4 (MANE Select); coding-DNA position 115, C replaced by T.
Protein change: p.Gln39Ter; replaces glutamine 39 with a stop codon.
Molecular consequence: nonsense.
Genome position (GRCh38, 1-based): chr16:23,637,946, G>A on the plus strand (C>T on the coding strand, the complement: PALB2 is on the minus strand). VCF-style: chr16-23637946-G-A. GRCh37 (hg19) VCF-style: chr16-23649267-G-A.
Other names: short protein forms Q39*.
Identifiers: ClinVar variation 231718 (VCV000231718.17), dbSNP rs876659319, ClinGen allele CA10580053.
Genomic context (GRCh38, chr16:23,637,946, plus strand): 5'-ACAAACAATCTTGTTCTTCTACTGTTTTCTTAATAGAATGCTTAATCTTTTCAGCTCTTT[G>A]GGCACGCTAGAGGAGACAAAAACAGCCCCAGAAATACGTTTTCTTTAAAGTTTTATAGAG-3'